The following is an entry in ClinVar:

ClinVar aggregate classification (germline): Pathogenic. Review status: criteria provided, multiple submitters, no conflicts (2 of 4 stars). 4 submissions from 4 submitters: Pathogenic (2). 2 of the submissions do not count toward it. Last evaluated 2022-11-23.

Conditions:
Severe combined immunodeficiency, partial. Identifiers: MedGen C1865373.
Histiocytic medullary reticulosis. Also called: Omenn syndrome; SEVERE COMBINED IMMUNODEFICIENCY WITH HYPEREOSINOPHILIA. Identifiers: Orphanet 39041, MedGen C2700553, MONDO:0011338, OMIM 603554.
Athabaskan severe combined immunodeficiency (SCIDA). Also called: Severe combined immunodeficiency, athabascan-type. Identifiers: MedGen C1865370.
Severe combined immunodeficiency due to DCLRE1C deficiency (RS-SCID). Also called: SCID, AUTOSOMAL RECESSIVE, T CELL-NEGATIVE, B CELL-NEGATIVE, NK CELL-POSITIVE, WITH SENSITIVITY TO IONIZING RADIATION. Identifiers: Orphanet 275, MedGen C1865371, MONDO:0011225, OMIM 602450.

Submissions (4):

Baylor Genetics
Classification: Pathogenic for Histiocytic medullary reticulosis. Last evaluated: 2022-11-23. Review status: criteria provided, single submitter. Criteria: ACMG Guidelines, 2015. Collection method: clinical testing. Allele origin: unknown.

Labcorp Genetics (formerly Invitae), Labcorp
Classification: Pathogenic for Athabaskan severe combined immunodeficiency. Last evaluated: 2020-10-09. Review status: criteria provided, single submitter. Criteria: Invitae Variant Classification Sherloc (09022015). Collection method: clinical testing. Allele origin: germline.
Comment: For these reasons, this variant has been classified as Pathogenic. Experimental studies have shown that this variant results in reduced recombination activity, reduced DNA repair activity (following ionizing radiation), and elevated interchromosomal V(D)J rearrangements when compared to wildtype (PMID: 25917813, 21147755). This variant does maintain some residual hairpin activity (PMID: 21147755). However, mouse models of this variant exhibit reduced numbers of B and T lymphocytes, thereby recapitulating the human phenotype (PMID: 19953608). This variant has been reported to segregate in a family with combined immunodeficiency characterized by severe T and B lymphocytopenia and upper/lower respiratory infections (PMID: 12569164). This variant is also known as D451fsX10 and Artemis P70 in the literature. ClinVar contains an entry for this variant (Variation ID: 4675). This variant is not present in population databases (ExAC no frequency). This sequence change results in a premature translational stop signal in the DCLRE1C gene (p.Asp451Lysfs*11). While this is not anticipated to result in nonsense mediated decay, it is expected to disrupt the last 242 amino acids of the DCLRE1C protein.

Natera, Inc.
Classification: Pathogenic for Athabascan severe combined immunodeficiency. Last evaluated: 2021-01-07. Review status: no assertion criteria provided. Collection method: clinical testing. Allele origin: germline. Not counted in ClinVar's aggregate classification.

OMIM
Classification: Pathogenic for SEVERE COMBINED IMMUNODEFICIENCY, PARTIAL. Last evaluated: 2003-02-01. Review status: no assertion criteria provided. Collection method: literature only. Allele origin: germline. Not counted in ClinVar's aggregate classification.

Literature cited by the submitters: PubMed 25917813 (cited by Labcorp Genetics (formerly Invitae), Labcorp); PubMed 21147755 (cited by Labcorp Genetics (formerly Invitae), Labcorp); PubMed 19953608 (cited by Labcorp Genetics (formerly Invitae), Labcorp); PubMed 12569164 (cited by Labcorp Genetics (formerly Invitae), Labcorp and OMIM).

NM_001033855.3(DCLRE1C):c.1350_1356del (p.Asp451fs)

Gene: DCLRE1C (DNA cross-link repair 1C; minus strand). Cytogenetic location: 10p13.
Variant type: Deletion.
Coding change: c.1350_1356del on transcript NM_001033855.3 (MANE Select); coding-DNA positions 1350 to 1356, 7 bases deleted (AGATTGT; older notation c.1350_1356delAGATTGT).
Protein change: p.Asp451fs; shifts the reading frame from aspartic acid 451.
Molecular consequence: frameshift variant. On other transcripts: non-coding transcript variant (4).
Genome position (GRCh38, 1-based): chr10:14,909,131-14,909,137, ACAATCT deleted on the plus strand (AGATTGT on the coding strand, the reverse complement: DCLRE1C is on the minus strand); deleting any 7 consecutive bases within chr10:14,909,131-14,909,141 gives the same sequence; the c. name uses the placement nearest the transcript's 3' end. VCF-style (leftmost placement, unchanged base first): chr10-14909130-CACAATCT-C. GRCh37 (hg19) VCF-style: chr10-14951129-CACAATCT-C.
Other names: c.1350_1356delAGATTGT (NM_001033855.2); c.990_996del, p.Asp331fs (NM_001033857.3, NM_001033858.3, NM_001289077.2 and 2 more transcripts); c.1005_1011del, p.Asp336fs (NM_001289076.2, NM_001289078.2, NM_001350966.2 and 1 more transcripts); c.1350_1356del, p.Asp451fs (NM_001350965.2); short protein forms D451fs, D331fs, D336fs.
Identifiers: ClinVar variation 4675 (VCV000004675.13), dbSNP rs786200884, ClinGen allele CA212815.